The following is an entry in ClinVar:

NC_000003.11:g.(101280848_101283613)_(101285291_?)dup

Gene: TRMT10C (tRNA methyltransferase 10C, mitochondrial RNase P subunit; plus strand). Cytogenetic location: 3q12.3.
Variant type: Duplication.
Identifiers: ClinVar variation 4536117 (VCV004536117.1).

ClinVar aggregate classification (germline): Uncertain significance (1 of 4 stars; one submission).

Submission:

Women's Health and Genetics/Laboratory Corporation of America, LabCorp
Classification: Uncertain significance. Last evaluated: 2025-09-19. Review status: criteria provided, single submitter. Criteria: LabCorp Variant Classification Summary - May 2015. Collection method: clinical testing. Allele origin: germline.
Comment: Variant summary: The variant involves the duplication of exon 2 in the TRMT10C gene. A presumed nomenclature of c.(-13+1_-12-1)_(*454_?)dup has been designated for the purposes of this classification. This duplication includes the entire coding sequence of the gene. As it duplicates the initiation and termination codons, its effect on the encoded protein is unknown. The exact breakpoint at the 3' end of this variant is unknown, therefore this duplication may extend downstream of the annotated region of the gene. The variant was absent in 21546 control chromosomes. The available data on variant occurrences in the general population are insufficient to allow any conclusion about variant significance. To our knowledge, no occurrence of c.(-13+1_-12-1)_(*454_?)dup in individuals affected with TRMT10C-related conditions and no experimental evidence demonstrating its impact on protein function have been reported. ClinVar contains an entry for this variant (Variation ID: 1446657). Based on the evidence outlined above, the variant was classified as uncertain significance.